The following is an entry in ClinVar:

ClinVar aggregate classification (germline): Uncertain significance (1 of 4 stars; one submission).

Allele frequency attached by ClinVar (database versions not stated): gnomAD exomes below 0.00001.
gnomAD v4.1: 1 of 1,614,222 alleles (0.000062%); highest among the groups gnomAD compares: African/African-American, 0.0013%; no homozygotes.

Submission:

Labcorp Genetics (formerly Invitae), Labcorp
Classification: Uncertain significance. Last evaluated: 2022-05-12. Review status: criteria provided, single submitter. Criteria: Invitae Variant Classification Sherloc (09022015). Collection method: clinical testing. Allele origin: germline.
Comment: This sequence change replaces isoleucine, which is neutral and non-polar, with valine, which is neutral and non-polar, at codon 429 of the FBLN5 protein (p.Ile429Val). This variant is not present in population databases (gnomAD no frequency). This variant has not been reported in the literature in individuals affected with FBLN5-related conditions. Algorithms developed to predict the effect of missense changes on protein structure and function (SIFT, PolyPhen-2, Align-GVGD) all suggest that this variant is likely to be tolerated. In summary, the available evidence is currently insufficient to determine the role of this variant in disease. Therefore, it has been classified as a Variant of Uncertain Significance.

NM_006329.4(FBLN5):c.1285A>G (p.Ile429Val)

Gene: FBLN5 (fibulin 5; minus strand). Cytogenetic location: 14q32.12.
Variant type: single nucleotide variant.
Coding change: c.1285A>G on transcript NM_006329.4 (MANE Select); coding-DNA position 1285, A replaced by G.
Protein change: p.Ile429Val; replaces isoleucine 429 with valine.
Molecular consequence: missense variant. On other transcripts: 3 prime UTR variant (2).
Genome position (GRCh38, 1-based): chr14:91,870,286, T>C on the plus strand (A>G on the coding strand, the complement: FBLN5 is on the minus strand). VCF-style: chr14-91870286-T-C. GRCh37 (hg19) VCF-style: chr14-92336630-T-C.
Other names: c.1408A>G, p.Ile470Val (NM_001384158.1); c.1336A>G, p.Ile446Val (NM_001384159.1); c.*69A>G (NM_001384160.1, NM_001384161.1); c.1117A>G, p.Ile373Val (NM_001384162.1); short protein forms I429V, I446V, I470V, I373V.
Identifiers: ClinVar variation 1952797 (VCV001952797.5), dbSNP rs2542729468, ClinGen allele CA390639163.